The following is an entry in ClinVar:

NM_000059.4(BRCA2):c.4543A>G (p.Lys1515Glu)

Gene: BRCA2 (BRCA2 DNA repair associated; plus strand). Cytogenetic location: 13q13.1.
Variant type: single nucleotide variant.
Coding change: c.4543A>G on transcript NM_000059.4 (MANE Select); coding-DNA position 4543, A replaced by G.
Protein change: p.Lys1515Glu; replaces lysine 1515 with glutamic acid.
Molecular consequence: missense variant.
Genome position (GRCh38, 1-based): chr13:32,338,898, A>G. VCF-style: chr13-32338898-A-G. GRCh37 (hg19) VCF-style: chr13-32913035-A-G.
Other names: short protein forms K1515E.
Identifiers: ClinVar variation 482976 (VCV000482976.18), dbSNP rs1555283834, ClinGen allele CA387781755.
Genomic context (GRCh38, chr13:32,338,898, plus strand): 5'-GTCCCAGTTGGTACTGGAAATCAACTAGTGACCTTCCAGGGACAACCCGAACGTGATGAA[A>G]AGATCAAAGAACCTACTCTATTGGGTTTTCATACAGCTAGCGGGAAAAAAGTTAAAATTG-3'
Protein context (NP_000050.3, residues 1505-1525): TFQGQPERDE[Lys1515Glu]IKEPTLLGFH

ClinVar aggregate classification (germline): Conflicting classifications of pathogenicity. Review status: criteria provided, conflicting classifications (1 of 4 stars). 4 submissions from 4 submitters: Uncertain significance (3); Likely benign (1). Last evaluated 2025-10-23.

Conditions:
Hereditary cancer-predisposing syndrome. Also called: Neoplastic Syndromes, Hereditary; Tumor predisposition; Hereditary Cancer Syndrome; Hereditary neoplastic syndrome. Identifiers: Orphanet 140162, MedGen C0027672, MeSH D009386, MONDO:0015356.
Hereditary breast ovarian cancer syndrome. Also called: Hereditary breast and ovarian cancer syndrome; Hereditary breast and ovarian cancer; Hereditary breast and ovarian cancer syndrome (HBOC); Breast and ovarian cancer; Hereditary breast and/or ovarian cancer syndrome; BRCA1- and BRCA2-Associated Hereditary Breast and Ovarian Cancer. Identifiers: Orphanet 145, MedGen C0677776, MeSH D061325, MONDO:0003582. Disease mechanism: loss of function.

Allele frequency attached by ClinVar (database versions not stated): gnomAD exomes below 0.00001.
gnomAD v4.1: 3 of 1,614,004 alleles (0.00019%); highest among the groups gnomAD compares: Non-Finnish European, 0.00025%; no homozygotes.

Submissions (4):

Ambry Genetics
Classification: Uncertain significance for Hereditary cancer-predisposing syndrome. Last evaluated: 2025-10-23. Review status: criteria provided, single submitter. Criteria: Ambry Variant Classification Scheme 2023. Collection method: clinical testing. Allele origin: germline.
Comment: The p.K1515E variant (also known as c.4543A>G), located in coding exon 10 of the BRCA2 gene, results from an A to G substitution at nucleotide position 4543. The lysine at codon 1515 is replaced by glutamic acid, an amino acid with similar properties. This variant was not reported in population based cohorts in the following databases: Database of Single Nucleotide Polymorphisms (dbSNP), NHLBI Exome Sequencing Project (ESP), and 1000 Genomes Project. In the ESP, this variant was not observed in 6500 samples (13000 alleles) with coverage at this position. To date, this alteration has been detected with an allele frequency of approximately 0.0004% (greater than 225000 alleles tested) in our clinical cohort. This amino acid position is not well conserved in available vertebrate species. In addition, this alteration is predicted to be tolerated by in silico analysis. Since supporting evidence is limited at this time, the clinical significance of this alteration remains unclear.

University of Washington Department of Laboratory Medicine, University of Washington
Classification: Likely benign for Hereditary cancer-predisposing syndrome. Last evaluated: 2023-03-23. Review status: criteria provided, single submitter. Criteria: Dines et al. (Genet Med. 2020). Collection method: curation. Allele origin: germline.
Comment: Missense variant in a coldspot region where missense variants are very unlikely to be pathogenic (PMID:31911673).

BRCA2 exon 11 coldspot. Reclassification based on statistical prior probability.

Labcorp Genetics (formerly Invitae), Labcorp
Classification: Uncertain significance for Hereditary breast ovarian cancer syndrome. Last evaluated: 2021-04-23. Review status: criteria provided, single submitter. Criteria: Invitae Variant Classification Sherloc (09022015). Collection method: clinical testing. Allele origin: germline.
Comment: In summary, the available evidence is currently insufficient to determine the role of this variant in disease. Therefore, it has been classified as a Variant of Uncertain Significance. Algorithms developed to predict the effect of missense changes on protein structure and function (SIFT, PolyPhen-2, Align-GVGD) all suggest that this variant is likely to be tolerated, but these predictions have not been confirmed by published functional studies and their clinical significance is uncertain. This variant has not been reported in the literature in individuals with BRCA2-related conditions. ClinVar contains an entry for this variant (Variation ID: 482976). This variant is not present in population databases (ExAC no frequency). This sequence change replaces lysine with glutamic acid at codon 1515 of the BRCA2 protein (p.Lys1515Glu). The lysine residue is moderately conserved and there is a small physicochemical difference between lysine and glutamic acid.

Color Diagnostics, LLC DBA Color Health
Classification: Uncertain significance for Hereditary cancer-predisposing syndrome. Last evaluated: 2019-05-07. Review status: criteria provided, single submitter. Criteria: ACMG Guidelines, 2015. Collection method: clinical testing. Allele origin: germline.